The following is an entry in ClinVar:

ClinVar aggregate classification (germline): Pathogenic (1 of 4 stars; one submission).

Submission:

GeneDx
Classification: Pathogenic. Last evaluated: 2024-07-01. Review status: criteria provided, single submitter. Criteria: GeneDx Variant Classification Process June 2021. Collection method: clinical testing. Allele origin: germline. Affected: yes.
Comment: Frameshift variant predicted to result in protein truncation or nonsense mediated decay in a gene for which loss of function is a known mechanism of disease; Not observed at significant frequency in large population cohorts (gnomAD); Has not been previously published as pathogenic or benign to our knowledge

NM_000719.7(CACNA1C):c.3612del (p.Lys1205fs)

Gene: CACNA1C (calcium voltage-gated channel subunit alpha1 C; plus strand). Cytogenetic location: 12p13.33.
Variant type: Deletion.
Coding change: c.3612del on transcript NM_000719.7 (MANE Select); coding-DNA position 3612, one base deleted (C; older notation c.3612delC).
Protein change: p.Lys1205fs; shifts the reading frame from lysine 1205.
Molecular consequence: frameshift variant.
Genome position (GRCh38, 1-based): chr12:2,610,594, C deleted; the last of 4 consecutive C bases (chr12:2,610,591-2,610,594); deleting any one gives the same sequence. VCF-style (leftmost placement, unchanged base first): chr12-2610590-TC-T. GRCh37 (hg19) VCF-style: chr12-2719756-TC-T.
Other names: c.3612del, p.Lys1205fs (NM_001129830.3, NM_001129831.2, NM_001129833.2 and 15 more transcripts); c.3672del, p.Lys1225fs (NM_001129832.2, NM_199460.4, NM_001129827.2); c.3603del, p.Lys1202fs (NM_001129844.2); c.3612delC, p.Lys1205Argfs (NM_000719.6); short protein forms K1205fs, K1225fs, K1202fs.
Identifiers: ClinVar variation 3393691 (VCV003393691.1).